The following is an entry in ClinVar:

ClinVar aggregate classification (germline): Pathogenic (1 of 4 stars; one submission).

Conditions:
Tuberous sclerosis 2 (TSC2). Identifiers: Orphanet 805, MedGen C1860707, MONDO:0013199, OMIM 613254.

Submission:

Labcorp Genetics (formerly Invitae), Labcorp
Classification: Pathogenic for Tuberous sclerosis 2. Last evaluated: 2024-01-08. Review status: criteria provided, single submitter. Criteria: Invitae Variant Classification Sherloc (09022015). Collection method: clinical testing. Allele origin: germline.
Comment: This variant results in the deletion of exons 30-33 and part of exon 34 (c.3397+149_4154del) of the TSC2 gene. It is expected to disrupt RNA splicing. Variants that disrupt the donor or acceptor splice site typically lead to a loss of protein function (PMID: 16199547), and loss-of-function variants in TSC2 are known to be pathogenic (PMID: 10205261, 17304050). This variant has not been reported in the literature in individuals affected with TSC2-related conditions. This variant disrupts a region of the TSC2 protein in which other variant(s) (p.Arg1200) have been determined to be pathogenic (PMID: 8824881, 9463313, 18792920, 21309039, 21332470, 22867869, 25039834, 28149746). This suggests that this is a clinically significant region of the protein, and that variants that disrupt it are likely to be disease-causing. For these reasons, this variant has been classified as Pathogenic.

Literature cited by the submitters: PubMed 16199547; PubMed 10205261; PubMed 17304050; PubMed 8824881; PubMed 9463313; PubMed 18792920; PubMed 21309039; PubMed 21332470; PubMed 22867869; PubMed 25039834; PubMed 28149746.

NC_000016.9:g.(?_2129819)_(2134377_?)del

Gene: TSC2 (TSC complex subunit 2; plus strand). Cytogenetic location: 16p13.3.
Variant type: Deletion.
Identifiers: ClinVar variation 2423306 (VCV002423306.2).